The following is an entry in ClinVar:

NM_004082.5(DCTN1):c.1225C>T (p.Arg409Trp)

Gene: DCTN1 (dynactin subunit 1; minus strand). Cytogenetic location: 2p13.1.
Variant type: single nucleotide variant.
Coding change: c.1225C>T on transcript NM_004082.5 (MANE Select); coding-DNA position 1225, C replaced by T.
Protein change: p.Arg409Trp; replaces arginine 409 with tryptophan.
Molecular consequence: missense variant. On other transcripts: non-coding transcript variant (1).
Genome position (GRCh38, 1-based): chr2:74,370,248, G>A on the plus strand (C>T on the coding strand, the complement: DCTN1 is on the minus strand). VCF-style: chr2-74370248-G-A. GRCh37 (hg19) VCF-style: chr2-74597375-G-A.
Other names: p.Arg409Trp; c.1165C>T, p.Arg389Trp (NM_001135040.3); c.823C>T, p.Arg275Trp (NM_001135041.3, NM_023019.4); c.1114C>T, p.Arg372Trp (NM_001190836.2); c.1204C>T, p.Arg402Trp (NM_001190837.2); c.1174C>T, p.Arg392Trp (NM_001378991.1); c.1156C>T, p.Arg386Trp (NM_001378992.1); short protein forms R409W, R275W, R372W, R389W, R402W, R386W, R392W.
Identifiers: ClinVar variation 648503 (VCV000648503.24), dbSNP rs150368544, ClinGen allele CA1722213.

ClinVar aggregate classification (germline): Conflicting classifications of pathogenicity. Review status: criteria provided, conflicting classifications (1 of 4 stars). 7 submissions from 7 submitters: Uncertain significance (4); Likely benign (1). 2 of the submissions do not count toward it. Last evaluated 2025-09-16.

Conditions:
DCTN1-related disorder. Also called: DCTN1-related condition.
Amyotrophic lateral sclerosis type 1 (ALS1). Also called: AMYOTROPHIC LATERAL SCLEROSIS 1, FAMILIAL. Identifiers: Orphanet 803, MedGen C1862939, MONDO:0007103, OMIM 105400.
Perry syndrome. Also called: PARKINSONISM WITH ALVEOLAR HYPOVENTILATION AND MENTAL DEPRESSION. Identifiers: Orphanet 178509, MedGen C1868594, MONDO:0008201, OMIM 168605.
Neuronopathy, distal hereditary motor, type 7B. Also called: LOWER MOTOR NEURON DISEASE, DYNACTIN TYPE; NEURONOPATHY, DISTAL HEREDITARY MOTOR, AUTOSOMAL DOMINANT 14; NEURONOPATHY, DISTAL HEREDITARY MOTOR, HARDING TYPE VIIB; NEUROPATHY, DISTAL HEREDITARY MOTOR, HARDING TYPE VIIB; NEUROPATHY, DISTAL HEREDITARY MOTOR, WITH VOCAL CORD PARALYSIS, HARDING TYPE VIIB; Distal Hereditary Motor Neuronopathy Type 7B (dHMN7B). Identifiers: Orphanet 139589, MedGen C1843315, MONDO:0011879, OMIM 607641.
Frontotemporal dementia (FTD1). Also called: MULTIPLE SYSTEM TAUOPATHY WITH PRESENILE DEMENTIA; WILHELMSEN-LYNCH DISEASE; Frontotemporal lobe dementia (FLDEM); FRONTOTEMPORAL LOBAR DEGENERATION WITH TAU INCLUSIONS; FTLD WITH TAU INCLUSIONS; Dementia, frontotemporal, with or without parkinsonism. Identifiers: Orphanet 282, MedGen C0338451, MONDO:0017276, OMIM 600274, HP:0002145.
Inborn genetic diseases. Identifiers: MedGen C0950123, MeSH D030342.

Allele frequency attached by ClinVar (database versions not stated): TOPMed 0.00001; gnomAD 0.00002 and 0.00003; gnomAD exomes 0.00002 and 0.00004; ExAC 0.00004; 1000 Genomes Project 0.00040; 1000 Genomes Project 30x 0.00078.
gnomAD v4.1: 30 of 1,613,980 alleles (0.0019%); highest among the groups gnomAD compares: Admixed American, 0.022%; no homozygotes.

Submissions (7):

Women's Health and Genetics/Laboratory Corporation of America, LabCorp
Classification: Uncertain significance. Last evaluated: 2025-09-16. Review status: criteria provided, single submitter. Criteria: LabCorp Variant Classification Summary - May 2015. Collection method: clinical testing. Allele origin: germline.
Comment: Variant summary: DCTN1 c.1225C>T (p.Arg409Trp) results in a non-conservative amino acid change in the encoded protein sequence. Algorithms developed to predict the effect of missense changes on protein structure and function are either unavailable or do not agree on the potential impact of this missense change. The variant allele was found at a frequency of 4.4e-05 in 251136 control chromosomes. This frequency is not significantly higher than estimated for disease-causing variants in DCTN1, allowing no conclusion about variant significance. c.1225C>T has been observed in individual(s) affected with Frontotemporal dementia (example: Tabuas-Pereira_2022). These report(s) do not provide unequivocal conclusions about association of the variant with Amyotrophic lateral sclerosis type 1. To our knowledge, no experimental evidence demonstrating an impact on protein function has been reported. The following publication has been ascertained in the context of this evaluation (PMID: 35873773). ClinVar contains an entry for this variant (Variation ID: 648503). Based on the evidence outlined above, the variant was classified as uncertain significance.

Labcorp Genetics (formerly Invitae), Labcorp
Classification: Uncertain significance for Amyotrophic lateral sclerosis type 1; Neuronopathy, distal hereditary motor, type 7B; Perry syndrome. Last evaluated: 2025-08-19. Review status: criteria provided, single submitter. Criteria: Invitae Variant Classification Sherloc (09022015). Collection method: clinical testing. Allele origin: germline.
Comment: This sequence change replaces arginine, which is basic and polar, with tryptophan, which is neutral and slightly polar, at codon 409 of the DCTN1 protein (p.Arg409Trp). This variant is present in population databases (rs150368544, gnomAD 0.02%). This missense change has been observed in individual(s) with frontotemporal dementia (PMID: 35873773). ClinVar contains an entry for this variant (Variation ID: 648503). Invitae Evidence Modeling of protein sequence and biophysical properties (such as structural, functional, and spatial information, amino acid conservation, physicochemical variation, residue mobility, and thermodynamic stability) indicates that this missense variant is not expected to disrupt DCTN1 protein function with a negative predictive value of 95%. In summary, the available evidence is currently insufficient to determine the role of this variant in disease. Therefore, it has been classified as a Variant of Uncertain Significance.

CeGaT Center for Human Genetics Tuebingen
Classification: Uncertain significance. Last evaluated: 2025-02-01. Review status: criteria provided, single submitter. Criteria: CeGaT Center For Human Genetics Tuebingen Variant Classification Criteria Version 2. Collection method: clinical testing. Allele origin: germline. Affected: yes. Observed: 1 variant allele.
Comment: DCTN1: PM2:Supporting, PS4:Supporting

Mayo Clinic Laboratories, Mayo Clinic
Classification: Uncertain significance. Last evaluated: 2024-12-31. Review status: criteria provided, single submitter. Criteria: ACMG Guidelines, 2015. Collection method: clinical testing. Allele origin: germline. Observed: 2 variant alleles.
Comment: BS2

Ambry Genetics
Classification: Likely benign for Inborn genetic diseases. Last evaluated: 2022-06-29. Review status: criteria provided, single submitter. Criteria: Ambry Variant Classification Scheme 2023. Collection method: clinical testing. Allele origin: germline.

PreventionGenetics, part of Exact Sciences
Classification: Uncertain significance for DCTN1-related condition. Last evaluated: 2024-03-12. Review status: no assertion criteria provided. Collection method: clinical testing. Allele origin: germline. Not counted in ClinVar's aggregate classification.
Comment: The DCTN1 c.1225C>T variant is predicted to result in the amino acid substitution p.Arg409Trp. This variant was reported in an individual with frontotemporal dementia without further evidence of pathogenicity (Tábuas-Pereira et al. 2022. PubMed ID: 35873773). This variant is reported in 0.020% of alleles in individuals of Latino descent in gnomAD. At this time, the clinical significance of this variant is uncertain due to the absence of conclusive functional and genetic evidence.

Guerreiro-Bras Laboratory, Van Andel Institute
Classification: Likely pathogenic for Frontotemporal dementia. Last evaluated: 2022-02-02. Review status: no assertion criteria provided. Collection method: research. Allele origin: unknown. Affected: yes. Not counted in ClinVar's aggregate classification.

Literature cited by the submitters: PubMed 35873773 (cited by 3 submitters).